The following is an entry in ClinVar:

ClinVar aggregate classification (germline): Likely benign (0 of 4 stars; one submission).

Conditions:
FOXD1-related disorder. Also called: FOXD1-related condition.

Allele frequency attached by ClinVar (database versions not stated): gnomAD exomes below 0.00001.

Submission:

PreventionGenetics, part of Exact Sciences
Classification: Likely benign for FOXD1-related condition. Last evaluated: 2021-08-30. Review status: no assertion criteria provided. Collection method: clinical testing. Allele origin: germline.
Comment: This variant is classified as likely benign based on ACMG/AMP sequence variant interpretation guidelines (Richards et al. 2015 PMID: 25741868, with internal and published modifications).

NM_004472.3(FOXD1):c.756A>G (p.Ala252=)

Gene: FOXD1 (forkhead box D1; minus strand). Cytogenetic location: 5q13.2.
Variant type: single nucleotide variant.
Coding change: c.756A>G on transcript NM_004472.3 (MANE Select); coding-DNA position 756, A replaced by G.
Protein change: p.Ala252=; no amino-acid change (alanine 252 retained).
Molecular consequence: synonymous variant.
Genome position (GRCh38, 1-based): chr5:73,447,607, T>C on the plus strand (A>G on the coding strand, the complement: FOXD1 is on the minus strand). VCF-style: chr5-73447607-T-C. GRCh37 (hg19) VCF-style: chr5-72743432-T-C.
Identifiers: ClinVar variation 3036957 (VCV003036957.2), dbSNP rs1745531292, ClinGen allele CA445096151.